The following is an entry in ClinVar:

NM_001036.6(RYR3):c.11464-8C>A

Gene: RYR3 (ryanodine receptor 3; plus strand). Cytogenetic location: 15q14.
Variant type: single nucleotide variant.
Coding change: c.11464-8C>A on transcript NM_001036.6 (MANE Select); 8 bases into the intron before coding-DNA position 11464, C replaced by A.
Molecular consequence: intron variant.
Genome position (GRCh38, 1-based): chr15:33,834,960, C>A. VCF-style: chr15-33834960-C-A. GRCh37 (hg19) VCF-style: chr15-34127161-C-A.
Other names: c.11449-8C>A (NM_001243996.4).
Identifiers: ClinVar variation 461843 (VCV000461843.38), dbSNP rs200401387, ClinGen allele CA7461236.
Genomic context (GRCh38, chr15:33,834,960, plus strand): 5'-CCTTACTAGACAGGTTTCAGAGCAACTTGTGATGTTTAAGTGACATAAGAATGTCCTCTT[C>A]TCTGCAGGGCCCTTGCATTGGTAATCAACAGAGCCTGGCTCACAGCAGGCTGTGGGACGC-3'

ClinVar aggregate classification (germline): Benign/Likely benign. Review status: criteria provided, multiple submitters, no conflicts (2 of 4 stars). 3 submissions from 3 submitters: Benign (1); Likely benign (1). 1 of the submissions does not count toward it. Last evaluated 2025-12-08.

Conditions:
RYR3-related disorder. Also called: RYR3-related condition.
Epileptic encephalopathy. Identifiers: MedGen C0543888, HP:0200134.

Allele frequency attached by ClinVar (database versions not stated): gnomAD exomes 0.00012 and 0.00034; ExAC 0.00046; gnomAD 0.00135 and 0.00152; 1000 Genomes Project 0.00140; ESP Exome Variant Server 0.00164; 1000 Genomes Project 30x 0.00172; TOPMed 0.00176.
gnomAD v4.1: 386 of 1,612,552 alleles (0.024%); highest among the groups gnomAD compares: African/African-American, 0.46%; no homozygotes.

Submissions (3):

Labcorp Genetics (formerly Invitae), Labcorp
Classification: Benign for Epileptic encephalopathy. Last evaluated: 2025-12-08. Review status: criteria provided, single submitter. Criteria: Invitae Variant Classification Sherloc (09022015). Collection method: clinical testing. Allele origin: germline.

CeGaT Center for Human Genetics Tuebingen
Classification: Likely benign. Last evaluated: 2023-04-01. Review status: criteria provided, single submitter. Criteria: CeGaT Center For Human Genetics Tuebingen Variant Classification Criteria Version 2. Collection method: clinical testing. Allele origin: germline. Affected: yes. Observed: 1 variant allele.
Comment: RYR3: BP4

PreventionGenetics, part of Exact Sciences
Classification: Likely benign for RYR3-related condition. Last evaluated: 2019-06-07. Review status: no assertion criteria provided. Collection method: clinical testing. Allele origin: germline. Not counted in ClinVar's aggregate classification.
Comment: This variant is classified as likely benign based on ACMG/AMP sequence variant interpretation guidelines (Richards et al. 2015 PMID: 25741868, with internal and published modifications).